The following is an entry in ClinVar:

ClinVar aggregate classification (germline): Likely benign (1 of 4 stars; one submission).

Allele frequency attached by ClinVar (database versions not stated): 1000 Genomes Project 30x 0.00078; 1000 Genomes Project 0.00100.

Submission:

CeGaT Center for Human Genetics Tuebingen
Classification: Likely benign. Last evaluated: 2022-03-01. Review status: criteria provided, single submitter. Criteria: CeGaT Center For Human Genetics Tuebingen Variant Classification Criteria Version 2. Collection method: clinical testing. Allele origin: germline. Affected: yes. Observed: 1 variant allele.
Comment: OR4K15: BP4, BP7

NM_001005486.2(OR4K15):c.123C>A (p.Gly41=)

Gene: OR4K15 (olfactory receptor family 4 subfamily K member 15; plus strand). Cytogenetic location: 14q11.2.
Variant type: single nucleotide variant.
Coding change: c.123C>A on transcript NM_001005486.2 (MANE Select); coding-DNA position 123, C replaced by A.
Protein change: p.Gly41=; no amino-acid change (glycine 41 retained).
Molecular consequence: synonymous variant.
Genome position (GRCh38, 1-based): chr14:19,975,713, C>A. VCF-style: chr14-19975713-C-A. GRCh37 (hg19) VCF-style: chr14-20443872-C-A.
Identifiers: ClinVar variation 2644039 (VCV002644039.24), dbSNP rs4499148, ClinGen allele CA7074590.